The following is an entry in ClinVar:

NM_000127.3(EXT1):c.1883+2_1883+3del

Gene: EXT1 (exostosin glycosyltransferase 1; minus strand). Cytogenetic location: 8q24.11.
Variant type: Deletion.
Coding change: c.1883+2_1883+3del on transcript NM_000127.3 (MANE Select); the canonical splice donor site of the intron after coding-DNA position 1883 through 3 bases into the intron after coding-DNA position 1883, 2 bases deleted (TG; older notation c.1883+2_1883+3delTG).
Molecular consequence: splice donor variant.
Genome position (GRCh38, 1-based): chr8:117,807,214-117,807,215, CA deleted on the plus strand (TG on the coding strand, the reverse complement: EXT1 is on the minus strand); deleting any 2 consecutive bases within chr8:117,807,214-117,807,216 gives the same sequence; the c. name uses the placement nearest the transcript's 3' end. VCF-style (leftmost placement, unchanged base first): chr8-117807213-TCA-T. GRCh37 (hg19) VCF-style: chr8-118819452-TCA-T.
Identifiers: ClinVar variation 3725635 (VCV003725635.2).
Genomic context (GRCh38, chr8:117,807,213, plus strand): 5'-TTTATGCAGCAGCCAATATAAAAAGCTATGTAAAGTCTGTAAGAGACATGTCCAGATTCC[TCA>T]CTTGTGGTAAATAGCAGCTCCTGTCAACACCATGGAGTAGTCGTTCGTCCACTTTGATGT-3'

ClinVar aggregate classification (germline): Pathogenic (1 of 4 stars; one submission).

Conditions:
Multiple congenital exostosis (EXT). Also called: Hereditary multiple osteochondromas; Multiple osteochondromas; MULTIPLE CARTILAGINOUS EXOSTOSES; Multiple exostoses; Hereditary multiple exostoses; Hereditary multiple exostosis. Identifiers: Orphanet 321, MedGen C0015306, MONDO:0005508, HP:0002762.

Submission:

Labcorp Genetics (formerly Invitae), Labcorp
Classification: Pathogenic for Multiple congenital exostosis. Last evaluated: 2024-11-19. Review status: criteria provided, single submitter. Criteria: Invitae Variant Classification Sherloc (09022015). Collection method: clinical testing. Allele origin: germline.
Comment: This sequence change affects a splice site in intron 9 of the EXT1 gene. It is expected to disrupt RNA splicing. Variants that disrupt the donor or acceptor splice site typically lead to a loss of protein function (PMID: 16199547), and loss-of-function variants in EXT1 are known to be pathogenic (PMID: 10679937, 11391482, 19810120). This variant is not present in population databases (gnomAD no frequency). Disruption of this splice site has been observed in individual(s) with hereditary multiple osteochondroma (internal data). Algorithms developed to predict the effect of sequence changes on RNA splicing suggest that this variant may disrupt the consensus splice site. For these reasons, this variant has been classified as Pathogenic.

Literature cited by the submitters: PubMed 16199547; PubMed 10679937; PubMed 11391482; PubMed 19810120.